The following is an entry in ClinVar:

ClinVar aggregate classification (germline): Pathogenic/Likely pathogenic. Review status: no assertion criteria provided (0 of 4 stars). 2 submissions from 2 submitters: Pathogenic (1); Likely pathogenic (1). Last evaluated 2021-10-15.

Conditions:
Charcot-Marie-Tooth Disease, axonal, type 2GG (CMT2GG). Also called: Charcot-Marie-Tooth neuropathy, type 2GG; Charcot-Marie-Tooth neuropathy, axonal, type 2GG; Charcot-Marie-Tooth disease dominant intermediate II. Identifiers: Orphanet 100043, MedGen C5561933, MONDO:0011675, OMIM 606483.
Motor axonal neuropathy. Identifiers: MedGen C2749625, HP:0007002.

Submissions (2):

OMIM
Classification: Pathogenic for CHARCOT-MARIE-TOOTH DISEASE, AXONAL, TYPE 2GG. Last evaluated: 2021-10-15. Review status: no assertion criteria provided. Collection method: literature only. Allele origin: germline.

Institute of Human Genetics, Cologne University
Classification: Likely pathogenic for Motor axonal neuropathy. Review status: no assertion criteria provided. Collection method: research. Allele origin: maternal. Inheritance: Autosomal dominant inheritance. Affected: yes. Observed: 1 heterozygote.
Comment: The variant is de novo. Skin fibroblast from the affected individual showed an increased golgi fragmentation favoring the pathogenic effect of the variant. A research paper reporting this work is submitted and currently under revision.

Literature cited by the submitters: PubMed 32937143 (cited by OMIM).

NM_001377137.1(GBF1):c.2948G>A (p.Cys983Tyr)

Gene: GBF1 (golgi brefeldin A resistant guanine nucleotide exchange factor 1; plus strand). Cytogenetic location: 10q24.32.
Variant type: single nucleotide variant.
Coding change: c.2948G>A on transcript NM_001377137.1 (MANE Select); coding-DNA position 2948, G replaced by A.
Protein change: p.Cys983Tyr; replaces cysteine 983 with tyrosine.
Molecular consequence: missense variant. On other transcripts: non-coding transcript variant (5).
Genome position (GRCh38, 1-based): chr10:102,368,807, G>A. VCF-style: chr10-102368807-G-A. GRCh37 (hg19) VCF-style: chr10-104128564-G-A.
Other names: c.2948G>A, p.Cys983Tyr (NM_001199378.2); c.2945G>A, p.Cys982Tyr (NM_001199379.2, NM_001377141.1, NM_004193.3); c.2909G>A, p.Cys970Tyr (NM_001377138.1); c.2651G>A, p.Cys884Tyr (NM_001377139.1, NM_001377140.1); short protein forms C884Y, C970Y, C983Y, C982Y.
Identifiers: ClinVar variation 972907 (VCV000972907.3), dbSNP rs2060050669, ClinGen allele CA377862965.